The following is an entry in ClinVar:

NC_000017.11:g.44846894_44962103del

Genes: C1QL1 (complement C1q like 1; minus strand), DNAAF19 (dynein axonemal assembly factor 19; plus strand), EFTUD2 (elongation factor Tu GTP binding domain containing 2; minus strand), FAM187A (family with sequence similarity 187 member A; plus strand), GFAP (glial fibrillary acidic protein; minus strand) and 6 more. Cytogenetic location: 17q21.31.
Variant type: Deletion.
Identifiers: ClinVar variation 1342375 (VCV001342375.2).

ClinVar aggregate classification (germline): Pathogenic (1 of 4 stars; one submission).

Submission:

New York Genome Center
Classification: Pathogenic. Last evaluated: 2021-03-22. Review status: criteria provided, single submitter. Criteria: NYGC Assertion Criteria 2020. Collection method: clinical testing. Allele origin: germline. Observed: 1 variant allele. Study: CSER-NYCKidSeq.
Comment: This 115Kb heterozygous deletion on the long arm of chromosome 17 contains a total of 8 genes, 5 of which are OMIM-annotated and 3 of which are OMIM-disease associated genes (EFTUD2, GFAP, CCDC103). The deletion encompasses the entire coding regions of these three genes. Chromosome 17q21.31microdeletions encompassing EFTUD2 as well as single nucleotide variants resulting in haploinsufficiency of EFTUD2 have been described in affected individuals with Mandibulofacial dysostosis, Guion-Almeida type [MIM 610536; PMID: 23188108; PMID: 22305528; PMID: 23879989; PMID: 24805776; PMID: 24266672]. Heterozygous pathogenic variants (mostly missense and few intragenic deletions) in GFAP resulting in gain of function, are associated with autosomal dominant Alexander Disease [MIM:203450; PMID: 29253910; PMID: 18054694]. Homozygous and compound heterozygous pathogenic variants in CCDC103 have been shown to cause autosomal recessiveCiliary dyskinesia, primary, 17 [MIM 614679]. Based on the available evidence, the 115Kb heterozygous deletion at 17q21.31 is reported as Pathogenic.